The following is an entry in ClinVar:

NM_000515.5(GH1):c.291+6T>G

Genes: GH-LCR (growth hormone locus control region; plus strand), GH1 (growth hormone 1; minus strand). Cytogenetic location: 17q23.3.
Variant type: single nucleotide variant.
Coding change: c.291+6T>G on transcript NM_000515.5 (MANE Select); 6 bases into the intron after coding-DNA position 291, T replaced by G.
Molecular consequence: intron variant.
Genome position (GRCh38, 1-based): chr17:63,918,011, A>C on the plus strand (T>G on the coding strand, the complement: GH1 is on the minus strand). VCF-style: chr17-63918011-A-C. GRCh37 (hg19) VCF-style: chr17-61995371-A-C.
Other names: c.172-87T>G (NM_022560.4); c.246+6T>G (NM_022559.4).
Identifiers: ClinVar variation 503689 (VCV000503689.2), dbSNP rs797044450, ClinGen allele CA658798946.
Genomic context (GRCh38, chr17:63,918,011, plus strand): 5'-GTGCTGCCCGGGGGCTCTGACTACAGGTCTCCCCCATCCCCGCCTGGGGAGAAGGCATCC[A>C]CTCACGGATTTCTGTTGTGTTTCCTCCCTGTTGGAGGGTGTCGGAATAGACTCTGAGAAA-3'

ClinVar aggregate classification (germline): Pathogenic (1 of 4 stars; one submission).

Submission:

GeneDx
Classification: Pathogenic. Last evaluated: 2018-03-12. Review status: criteria provided, single submitter. Criteria: GeneDx Variant Classification (06012015). Collection method: clinical testing. Allele origin: germline. Affected: yes.
Comment: The c.291+6T>G variant in the GH1 gene has been reported previously in the heterozygous state as a de novo change in an individual with IGHD (Katsumata et al., 2001). This splice site variant is predicted to damage or destroy the natural splice donor site of intron 3, and RT-PCR studies of c.291+6T>G indicate that it causes complete skipping of exon 3 (Katsumata et al., 2001). The c.291+6T>G variant is not observed in large population cohorts (Lek et al., 2016). We interpret c.291+6T>G as a pathogenic variant.